The following is an entry in ClinVar:

NM_001317778.2(SFTPC):c.529A>G (p.Met177Val)

Gene: SFTPC (surfactant protein C; plus strand). Cytogenetic location: 8p21.3.
Variant type: single nucleotide variant.
Coding change: c.529A>G on transcript NM_001317778.2 (MANE Select); coding-DNA position 529, A replaced by G.
Protein change: p.Met177Val; replaces methionine 177 with valine.
Molecular consequence: missense variant.
Genome position (GRCh38, 1-based): chr8:22,163,994, A>G. VCF-style: chr8-22163994-A-G. GRCh37 (hg19) VCF-style: chr8-22021507-A-G.
Other names: c.529A>G, p.Met177Val (NM_001172357.2, NM_001317780.2, NM_001385656.1 and 3 more transcripts); c.547A>G, p.Met183Val (NM_001172410.2, NM_001385653.1, NM_001385654.1 and 2 more transcripts); c.388A>G, p.Met130Val (NM_001317779.2, NM_001385660.1); short protein forms M130V, M177V, M183V.
Identifiers: ClinVar variation 3036502 (VCV003036502.2), dbSNP rs777707126, ClinGen allele CA4664076.

ClinVar aggregate classification (germline): Uncertain significance (0 of 4 stars; one submission).

Conditions:
SFTPC-related disorder. Also called: SFTPC-related condition.

Allele frequency attached by ClinVar (database versions not stated): gnomAD 0.00001; gnomAD exomes 0.00001; TOPMed 0.00003; ExAC 0.00006.

Submission:

PreventionGenetics, part of Exact Sciences
Classification: Uncertain significance for SFTPC-related condition. Last evaluated: 2024-02-07. Review status: no assertion criteria provided. Collection method: clinical testing. Allele origin: germline.
Comment: The SFTPC c.547A>G variant is predicted to result in the amino acid substitution p.Met183Val. To our knowledge, this variant has not been reported in the literature. This variant is reported in 0.049% of alleles in individuals of Latino descent in gnomAD. At this time, the clinical significance of this variant is uncertain due to the absence of conclusive functional and genetic evidence.